The following is an entry in ClinVar:

ClinVar aggregate classification (germline): Likely benign (1 of 4 stars; one submission).

gnomAD v4.1: 26 of 1,614,036 alleles (0.0016%); highest among the groups gnomAD compares: Middle Eastern, 0.016%; no homozygotes.

Submission:

CeGaT Center for Human Genetics Tuebingen
Classification: Likely benign. Last evaluated: 2026-05-01. Review status: criteria provided, single submitter. Criteria: CeGaT Center For Human Genetics Tuebingen Variant Classification Criteria Version 2. Collection method: clinical testing. Allele origin: germline. Affected: yes. Observed: 1 variant allele.
Comment: KDM5B: BP4, BP7

NM_006618.5(KDM5B):c.3789G>A (p.Gln1263=)

Gene: KDM5B (lysine demethylase 5B; minus strand). Cytogenetic location: 1q32.1.
Variant type: single nucleotide variant.
Coding change: c.3789G>A on transcript NM_006618.5 (MANE Select); coding-DNA position 3789, G replaced by A.
Protein change: p.Gln1263=; no amino-acid change (glutamine 1263 retained).
Molecular consequence: synonymous variant.
Genome position (GRCh38, 1-based): chr1:202,733,521, C>T on the plus strand (G>A on the coding strand, the complement: KDM5B is on the minus strand). VCF-style: chr1-202733521-C-T. GRCh37 (hg19) VCF-style: chr1-202702649-C-T.
Other names: c.3897G>A, p.Gln1299= (NM_001314042.2); c.3654G>A, p.Gln1218= (NM_001347591.2); c.3774G>A, p.Gln1258= (NM_001399817.1).
Identifiers: ClinVar variation 4873196 (VCV004873196.2).
Genomic context (GRCh38, chr1:202,733,521, plus strand): 5'-GCCCACTCGATCTTGCACAAATTTAAGATTCCCTGACGAAAGCAGTTGCTGGGCTCTGTG[C>T]TGCCAGTTCACGGTTCTTTCAATCATATATCGAAGTGCATCTCCCTCAGGAAGGCGAACT-3'
Protein context (NP_006609.3, residues 1253-1273): RYMIERTVNW[Gln1263=]HRAQQLLSSG